The following is an entry in ClinVar:

NM_006846.4(SPINK5):c.426A>C (p.Gln142His)

Gene: SPINK5 (serine peptidase inhibitor Kazal type 5; plus strand). Cytogenetic location: 5q32.
Variant type: single nucleotide variant.
Coding change: c.426A>C on transcript NM_006846.4 (MANE Select); coding-DNA position 426, A replaced by C.
Protein change: p.Gln142His; replaces glutamine 142 with histidine.
Molecular consequence: missense variant.
Genome position (GRCh38, 1-based): chr5:148,088,557, A>C. VCF-style: chr5-148088557-A-C. GRCh37 (hg19) VCF-style: chr5-147468120-A-C.
Other names: c.426A>C (NM_006846.3); c.426A>C, p.Gln142His (NM_001127698.2, NM_001127699.2); short protein forms Q142H.
Identifiers: ClinVar variation 1004147 (VCV001004147.10), dbSNP rs764813956, ClinGen allele CA3495219.

ClinVar aggregate classification (germline): Uncertain significance. Review status: criteria provided, multiple submitters, no conflicts (2 of 4 stars). 2 submissions from 2 submitters: Uncertain significance (2). Last evaluated 2025-04-24.

Conditions:
Inborn genetic diseases. Identifiers: MedGen C0950123, MeSH D030342.
Ichthyosis linearis circumflexa. Identifiers: MedGen C0265962, MONDO:0043106, HP:0025810.

Allele frequency attached by ClinVar (database versions not stated): TOPMed 0.00003.
gnomAD v4.1: 11 of 1,611,746 alleles (0.00068%); highest among the groups gnomAD compares: East Asian, 0.025%; no homozygotes.

Submissions (2):

Ambry Genetics
Classification: Uncertain significance for Inborn genetic diseases. Last evaluated: 2025-04-24. Review status: criteria provided, single submitter. Criteria: Ambry Variant Classification Scheme 2023. Collection method: clinical testing. Allele origin: germline.

Labcorp Genetics (formerly Invitae), Labcorp
Classification: Uncertain significance for Ichthyosis linearis circumflexa. Last evaluated: 2020-07-19. Review status: criteria provided, single submitter. Criteria: Invitae Variant Classification Sherloc (09022015). Collection method: clinical testing. Allele origin: germline.
Comment: In summary, the available evidence is currently insufficient to determine the role of this variant in disease. Therefore, it has been classified as a Variant of Uncertain Significance. Algorithms developed to predict the effect of missense changes on protein structure and function output the following: SIFT: "Tolerated"; PolyPhen-2: "Benign"; Align-GVGD: "Class C0". The histidine amino acid residue is found in multiple mammalian species, suggesting that this missense change does not adversely affect protein function. These predictions have not been confirmed by published functional studies and their clinical significance is uncertain. This variant has not been reported in the literature in individuals with SPINK5-related conditions. This variant is present in population databases (rs764813956, ExAC 0.07%). This sequence change replaces glutamine with histidine at codon 142 of the SPINK5 protein (p.Gln142His). The glutamine residue is moderately conserved and there is a small physicochemical difference between glutamine and histidine.